The following is an entry in ClinVar:

ClinVar aggregate classification (germline): Uncertain significance (1 of 4 stars; one submission).

Conditions:
Hereditary diffuse gastric adenocarcinoma (HDGC). Also called: DIFFUSE GASTRIC AND LOBULAR BREAST CANCER SYNDROME. Identifiers: Orphanet 26106, MedGen C1708349, MONDO:0007648, OMIM 137215.

Submission:

Labcorp Genetics (formerly Invitae), Labcorp
Classification: Uncertain significance for Hereditary diffuse gastric adenocarcinoma. Last evaluated: 2023-07-25. Review status: criteria provided, single submitter. Criteria: Invitae Variant Classification Sherloc (09022015). Collection method: clinical testing. Allele origin: germline.
Comment: This sequence change replaces arginine, which is basic and polar, with leucine, which is neutral and non-polar, at codon 124 of the CDH1 protein (p.Arg124Leu). This variant is not present in population databases (gnomAD no frequency). This variant has not been reported in the literature in individuals affected with CDH1-related conditions. ClinVar contains an entry for this variant (Variation ID: 1720113). An algorithm developed to predict the effect of missense changes on protein structure and function (PolyPhen-2) suggests that this variant is likely to be tolerated. In summary, the available evidence is currently insufficient to determine the role of this variant in disease. Therefore, it has been classified as a Variant of Uncertain Significance.

NM_004360.5(CDH1):c.371G>T (p.Arg124Leu)

Gene: CDH1 (cadherin 1; plus strand). Cytogenetic location: 16q22.1.
Variant type: single nucleotide variant.
Coding change: c.371G>T on transcript NM_004360.5 (MANE Select); coding-DNA position 371, G replaced by T.
Protein change: p.Arg124Leu; replaces arginine 124 with leucine.
Molecular consequence: missense variant. On other transcripts: 5 prime UTR variant (2).
Genome position (GRCh38, 1-based): chr16:68,801,877, G>T. VCF-style: chr16-68801877-G-T. GRCh37 (hg19) VCF-style: chr16-68835780-G-T.
Other names: c.371G>T, p.Arg124Leu (NM_001317184.2); c.-1245G>T (NM_001317185.2); c.-1449G>T (NM_001317186.2); short protein forms R124L.
Identifiers: ClinVar variation 1720113 (VCV001720113.6), dbSNP rs115418995, ClinGen allele CA396457479.
Genomic context (GRCh38, chr16:68,801,877, plus strand): 5'-ACTCCACCTACAGAAAGTTTTCCACCAAAGTCACGCTGAATACAGTGGGGCACCACCACC[G>T]CCCCCCGCCCCATCAGGTATGTTGGCATTTTTCTGAGAAGTTCGCTGTTGTTTTAGTGCG-3'
Protein context (NP_004351.1, residues 114-134): VTLNTVGHHH[Arg124Leu]PPPHQASVSG